The following is an entry in ClinVar:

ClinVar aggregate classification (germline): Conflicting classifications of pathogenicity. Review status: criteria provided, conflicting classifications (1 of 4 stars). 2 submissions from 2 submitters: Uncertain significance (1); Likely benign (1). Last evaluated 2026-08-20.

Conditions:
Hereditary cancer-predisposing syndrome. Also called: Neoplastic Syndromes, Hereditary; Hereditary neoplastic syndrome; Hereditary Cancer Syndrome; Tumor predisposition. Identifiers: Orphanet 140162, MedGen C0027672, MeSH D009386, MONDO:0015356.
Familial cancer of breast. Also called: hereditary breast carcinoma; Hereditary breast cancer; BREAST CANCER, FAMILIAL. Identifiers: Orphanet 227535, MedGen C0346153, MONDO:0016419, OMIM 114480. Disease mechanism: loss of function.

Submissions (2):

Ambry Genetics
Classification: Likely benign for Hereditary cancer-predisposing syndrome. Last evaluated: 2026-08-20. Review status: criteria provided, single submitter. Criteria: Ambry Variant Classification Scheme 2023. Collection method: clinical testing. Allele origin: germline.

Labcorp Genetics (formerly Invitae), Labcorp
Classification: Uncertain significance for Familial cancer of breast. Last evaluated: 2017-06-17. Review status: criteria provided, single submitter. Criteria: Invitae Variant Classification Sherloc (09022015). Collection method: clinical testing. Allele origin: germline.
Comment: This sequence change replaces lysine with threonine at codon 311 of the PALB2 protein (p.Lys311Thr). The lysine residue is weakly conserved and there is a moderate physicochemical difference between lysine and threonine. This variant is not present in population databases (ExAC no frequency). This variant has not been reported in the literature in individuals with a PALB2-related disease. Algorithms developed to predict the effect of missense changes on protein structure and function output the following: SIFT: "Tolerated"; PolyPhen-2: "Benign"; Align-GVGD: "Class C0". The threonine amino acid residue is found in multiple mammalian species, suggesting that this missense change does not adversely affect protein function. These predictions have not been confirmed by published functional studies and their clinical significance is uncertain. In summary, this variant has uncertain impact on PALB2 function. The available evidence is currently insufficient to determine its role in disease. Therefore, it has been classified as a Variant of Uncertain Significance.

NM_024675.4(PALB2):c.932A>C (p.Lys311Thr)

Gene: PALB2 (partner and localizer of BRCA2; minus strand). Cytogenetic location: 16p12.2.
Variant type: single nucleotide variant.
Coding change: c.932A>C on transcript NM_024675.4 (MANE Select); coding-DNA position 932, A replaced by C.
Protein change: p.Lys311Thr; replaces lysine 311 with threonine.
Molecular consequence: missense variant.
Genome position (GRCh38, 1-based): chr16:23,635,614, T>G on the plus strand (A>C on the coding strand, the complement: PALB2 is on the minus strand). VCF-style: chr16-23635614-T-G. GRCh37 (hg19) VCF-style: chr16-23646935-T-G.
Other names: short protein forms K311T.
Identifiers: ClinVar variation 461032 (VCV000461032.10), dbSNP rs755129205, ClinGen allele CA395135252.
Genomic context (GRCh38, chr16:23,635,614, plus strand): 5'-TCATTTAGAGAACATGAAATATTTGCCTCTAAATTAGAACTTGTGGGCAGTTGGCCACTT[T>G]TACTTATAGCTTTATTTACAAGGAGGTTATCTGTAGAGACAGTCATTTTTTTGCCTTGTG-3'
Protein context (NP_078951.2, residues 301-321): DNLLVNKAIS[Lys311Thr]SGQLPTSSNL